The following is an entry in ClinVar:

NM_001130438.3(SPTAN1):c.5282G>A (p.Arg1761Gln)

Gene: SPTAN1 (spectrin alpha, non-erythrocytic 1; plus strand). Cytogenetic location: 9q34.11.
Variant type: single nucleotide variant.
Coding change: c.5282G>A on transcript NM_001130438.3 (MANE Select); coding-DNA position 5282, G replaced by A.
Protein change: p.Arg1761Gln; replaces arginine 1761 with glutamine.
Molecular consequence: missense variant.
Genome position (GRCh38, 1-based): chr9:128,615,765, G>A. VCF-style: chr9-128615765-G-A. GRCh37 (hg19) VCF-style: chr9-131378044-G-A.
Other names: c.5207G>A, p.Arg1736Gln (NM_001195532.2, NM_001438441.1, NM_001438444.1); c.5282G>A, p.Arg1761Gln (NM_001363759.2, NM_001375310.1, NM_001375311.2 and 1 more transcripts); c.5222G>A, p.Arg1741Gln (NM_001363765.2, NM_001375314.2, NM_001438442.1); c.5318G>A, p.Arg1773Gln (NM_001375312.2, NM_001375318.1, NM_001438440.1); c.5267G>A, p.Arg1756Gln (NM_001438443.1, NM_001438445.1, NM_003127.4); short protein forms R1756Q, R1773Q, R1741Q, R1761Q, R1736Q.
Identifiers: ClinVar variation 4701646 (VCV004701646.1).

ClinVar aggregate classification (germline): Uncertain significance (1 of 4 stars; one submission).

Conditions:
Early-infantile DEE. Also called: Early infantile epileptic encephalopathy with suppression bursts; Early infantile epileptic encephalopathy; Ohtahara syndrome. Identifiers: Orphanet 1934, MedGen C0393706, MONDO:0800491.

gnomAD v4.1: 7 of 1,614,218 alleles (0.00043%); highest among the groups gnomAD compares: South Asian, 0.0022%; no homozygotes.

Submission:

Labcorp Genetics (formerly Invitae), Labcorp
Classification: Uncertain significance for Early-infantile DEE. Last evaluated: 2025-11-23. Review status: criteria provided, single submitter. Criteria: Invitae Variant Classification Sherloc (09022015). Collection method: clinical testing. Allele origin: germline.
Comment: This sequence change replaces arginine, which is basic and polar, with glutamine, which is neutral and polar, at codon 1761 of the SPTAN1 protein (p.Arg1761Gln). This variant is present in population databases (rs755046868, gnomAD 0.006%). This variant has not been reported in the literature in individuals affected with SPTAN1-related conditions. Invitae Evidence Modeling of protein sequence and biophysical properties (such as structural, functional, and spatial information, amino acid conservation, physicochemical variation, residue mobility, and thermodynamic stability) has been performed for this missense variant. However, the output from this modeling did not meet the statistical confidence thresholds required to predict the impact of this variant on SPTAN1 protein function. In summary, the available evidence is currently insufficient to determine the role of this variant in disease. Therefore, it has been classified as a Variant of Uncertain Significance.